The following is an entry in ClinVar:

NM_001008212.2(OPTN):c.617C>T (p.Ser206Phe)

Gene: OPTN (optineurin; plus strand). Cytogenetic location: 10p13.
Variant type: single nucleotide variant.
Coding change: c.617C>T on transcript NM_001008212.2 (MANE Select); coding-DNA position 617, C replaced by T.
Protein change: p.Ser206Phe; replaces serine 206 with phenylalanine.
Molecular consequence: missense variant.
Genome position (GRCh38, 1-based): chr10:13,116,331, C>T. VCF-style: chr10-13116331-C-T. GRCh37 (hg19) VCF-style: chr10-13158331-C-T.
Other names: c.617C>T, p.Ser206Phe (NM_001008211.1, NM_001008213.1, NM_021980.4); short protein forms S206F.
Identifiers: ClinVar variation 3752609 (VCV003752609.2).

ClinVar aggregate classification (germline): Uncertain significance (1 of 4 stars; one submission).

Conditions:
Glaucoma 1, open angle, E. Identifiers: MedGen C1842026, MONDO:0007665.
Primary open angle glaucoma (POAG). Also called: OPTN-related open angle glaucoma. Identifiers: MedGen C0339573, MONDO:0100553, OMIM 137760.
Amyotrophic lateral sclerosis type 12 (ALS12). Also called: AMYOTROPHIC LATERAL SCLEROSIS 12 WITH OR WITHOUT FRONTOTEMPORAL DEMENTIA. Identifiers: Orphanet 803, MedGen C3150692, MONDO:0013264, OMIM 613435.

gnomAD v4.1: 3 of 1,612,776 alleles (0.00019%); highest among the groups gnomAD compares: Non-Finnish European, 0.00025%; no homozygotes.

Submission:

Labcorp Genetics (formerly Invitae), Labcorp
Classification: Uncertain significance for Primary open angle glaucoma; Glaucoma 1, open angle, E; Amyotrophic lateral sclerosis type 12. Last evaluated: 2024-09-22. Review status: criteria provided, single submitter. Criteria: Invitae Variant Classification Sherloc (09022015). Collection method: clinical testing. Allele origin: germline.
Comment: This sequence change replaces serine, which is neutral and polar, with phenylalanine, which is neutral and non-polar, at codon 206 of the OPTN protein (p.Ser206Phe). This variant is not present in population databases (gnomAD no frequency). This variant has not been reported in the literature in individuals affected with OPTN-related conditions. An algorithm developed to predict the effect of missense changes on protein structure and function outputs the following: PolyPhen-2: "Benign". The phenylalanine amino acid residue is found in multiple mammalian species, which suggests that this missense change does not adversely affect protein function. In summary, the available evidence is currently insufficient to determine the role of this variant in disease. Therefore, it has been classified as a Variant of Uncertain Significance.